The following is an entry in ClinVar:

NM_001032396.4(PJA1):c.1469C>A (p.Ala490Asp)

Gene: PJA1 (praja ring finger ubiquitin ligase 1; minus strand). Cytogenetic location: Xq13.1.
Variant type: single nucleotide variant.
Coding change: c.1469C>A on transcript NM_001032396.4 (MANE Select); coding-DNA position 1469, C replaced by A.
Protein change: p.Ala490Asp; replaces alanine 490 with aspartic acid.
Molecular consequence: missense variant.
Genome position (GRCh38, 1-based): chrX:69,161,605, G>T on the plus strand (C>A on the coding strand, the complement: PJA1 is on the minus strand). VCF-style: chrX-69161605-G-T. GRCh37 (hg19) VCF-style: chrX-68381448-G-T.
Other names: c.1634C>A, p.Ala545Asp (NM_001382775.1, NM_145119.4); c.1469C>A, p.Ala490Asp (NM_001382776.1); c.1070C>A, p.Ala357Asp (NM_022368.5); short protein forms A357D, A490D, A545D.
Identifiers: ClinVar variation 3347291 (VCV003347291.1).

ClinVar aggregate classification (germline): Uncertain significance (0 of 4 stars; one submission).

Conditions:
PJA1-related disorder. Also called: PJA1-related condition.

gnomAD v4.1: 2 of 1,211,579 alleles (0.00017%); highest among the groups gnomAD compares: Non-Finnish European, 0.00022%; no homozygotes.

Submission:

PreventionGenetics, part of Exact Sciences
Classification: Uncertain significance for PJA1-related condition. Last evaluated: 2024-05-10. Review status: no assertion criteria provided. Collection method: clinical testing. Allele origin: germline.
Comment: The PJA1 c.1634C>A variant is predicted to result in the amino acid substitution p.Ala545Asp. To our knowledge, this variant has not been reported in the literature or in a large population database, indicating this variant is rare. At this time, the clinical significance of this variant is uncertain due to the absence of conclusive functional and genetic evidence.